The following is an entry in ClinVar:

NM_000465.4(BARD1):c.204C>G (p.His68Gln)

Gene: BARD1 (BRCA1 associated RING domain 1; minus strand). Cytogenetic location: 2q35.
Variant type: single nucleotide variant.
Coding change: c.204C>G on transcript NM_000465.4 (MANE Select); coding-DNA position 204, C replaced by G.
Protein change: p.His68Gln; replaces histidine 68 with glutamine.
Molecular consequence: missense variant. On other transcripts: non-coding transcript variant (2), intron variant (2).
Genome position (GRCh38, 1-based): chr2:214,797,072, G>C on the plus strand (C>G on the coding strand, the complement: BARD1 is on the minus strand). VCF-style: chr2-214797072-G-C. GRCh37 (hg19) VCF-style: chr2-215661796-G-C.
Other names: c.204C>G, p.His68Gln (NM_001282545.2, NM_001282549.2); c.158+12340C>G (NM_001282548.2); c.159-4627C>G (NM_001282543.2); short protein forms H68Q.
Identifiers: ClinVar variation 947919 (VCV000947919.10), dbSNP rs1695791038, ClinGen allele CA350462169.

ClinVar aggregate classification (germline): Uncertain significance (1 of 4 stars; one submission).

Conditions:
Familial cancer of breast. Also called: Hereditary breast cancer; hereditary breast carcinoma; BREAST CANCER, FAMILIAL. Identifiers: Orphanet 227535, MedGen C0346153, MONDO:0016419, OMIM 114480. Disease mechanism: loss of function.

Submission:

Labcorp Genetics (formerly Invitae), Labcorp
Classification: Uncertain significance for Familial cancer of breast. Last evaluated: 2019-07-02. Review status: criteria provided, single submitter. Criteria: Invitae Variant Classification Sherloc (09022015). Collection method: clinical testing. Allele origin: germline.
Comment: This sequence change replaces histidine with glutamine at codon 68 of the BARD1 protein (p.His68Gln). The histidine residue is highly conserved and there is a small physicochemical difference between histidine and glutamine. This variant is not present in population databases (ExAC no frequency). This variant has not been reported in the literature in individuals with BARD1-related conditions. Algorithms developed to predict the effect of missense changes on protein structure and function are either unavailable or do not agree on the potential impact of this missense change (SIFT: "Deleterious"; PolyPhen-2: "Probably Damaging"; Align-GVGD: "Class C15"). In summary, the available evidence is currently insufficient to determine the role of this variant in disease. Therefore, it has been classified as a Variant of Uncertain Significance.